The following is an entry in ClinVar:

NM_024675.4(PALB2):c.578C>A (p.Thr193Asn)

Gene: PALB2 (partner and localizer of BRCA2; minus strand). Cytogenetic location: 16p12.2.
Variant type: single nucleotide variant.
Coding change: c.578C>A on transcript NM_024675.4 (MANE Select); coding-DNA position 578, C replaced by A.
Protein change: p.Thr193Asn; replaces threonine 193 with asparagine.
Molecular consequence: missense variant. On other transcripts: 5 prime UTR variant (8), intron variant (3).
Genome position (GRCh38, 1-based): chr16:23,635,968, G>T on the plus strand (C>A on the coding strand, the complement: PALB2 is on the minus strand). VCF-style: chr16-23635968-G-T. GRCh37 (hg19) VCF-style: chr16-23647289-G-T.
Other names: c.518C>A, p.Thr173Asn (NM_001407296.1); c.578C>A, p.Thr193Asn (NM_001407297.1, NM_001407298.1, NM_001407299.1 and 3 more transcripts); c.-308C>A (NM_001407304.1, NM_001407305.1, NM_001407306.1 and 5 more transcripts); c.48+5142C>A (NM_001407314.1); c.-105+5142C>A (NM_001407313.1, NM_001407312.1); short protein forms T193N, T173N.
Identifiers: ClinVar variation 3721987 (VCV003721987.2).

ClinVar aggregate classification (germline): Uncertain significance (1 of 4 stars; one submission).

Conditions:
Familial cancer of breast. Also called: BREAST CANCER, FAMILIAL; Hereditary breast cancer; hereditary breast carcinoma. Identifiers: Orphanet 227535, MedGen C0346153, MONDO:0016419, OMIM 114480. Disease mechanism: loss of function.

Submission:

Labcorp Genetics (formerly Invitae), Labcorp
Classification: Uncertain significance for Familial cancer of breast. Last evaluated: 2024-10-01. Review status: criteria provided, single submitter. Criteria: Invitae Variant Classification Sherloc (09022015). Collection method: clinical testing. Allele origin: germline.
Comment: This sequence change replaces threonine, which is neutral and polar, with asparagine, which is neutral and polar, at codon 193 of the PALB2 protein (p.Thr193Asn). This variant is not present in population databases (gnomAD no frequency). This variant has not been reported in the literature in individuals affected with PALB2-related conditions. An algorithm developed to predict the effect of missense changes on protein structure and function outputs the following: PolyPhen-2: "Benign". The asparagine amino acid residue is found in multiple mammalian species, which suggests that this missense change does not adversely affect protein function. In summary, the available evidence is currently insufficient to determine the role of this variant in disease. Therefore, it has been classified as a Variant of Uncertain Significance.